The following is an entry in ClinVar:

NM_007055.4(POLR3A):c.2662C>A (p.Leu888Met)

Gene: POLR3A (RNA polymerase III subunit A; minus strand). Cytogenetic location: 10q22.3.
Variant type: single nucleotide variant.
Coding change: c.2662C>A on transcript NM_007055.4 (MANE Select); coding-DNA position 2662, C replaced by A.
Protein change: p.Leu888Met; replaces leucine 888 with methionine.
Molecular consequence: missense variant.
Genome position (GRCh38, 1-based): chr10:77,993,322, G>T on the plus strand (C>A on the coding strand, the complement: POLR3A is on the minus strand). VCF-style: chr10-77993322-G-T. GRCh37 (hg19) VCF-style: chr10-79753080-G-T.
Other names: short protein forms L888M.
Identifiers: ClinVar variation 877339 (VCV000877339.5), dbSNP rs752264933, ClinGen allele CA5571054.

ClinVar aggregate classification (germline): Uncertain significance. Review status: criteria provided, multiple submitters, no conflicts (2 of 4 stars). 2 submissions from 2 submitters: Uncertain significance (2). Last evaluated 2022-08-16.

Conditions:
Leukodystrophy, hypomyelinating, 7, with or without oligodontia and/or hypogonadotropic hypogonadism (HLD7). Also called: LEUKOENCEPHALOPATHY, HYPOMYELINATING, WITH ATAXIA AND DELAYED DENTITION; ATAXIA, DELAYED DENTITION, AND HYPOMYELINATION; LEUKODYSTROPHY, HYPOMYELINATING, 7, WITH OLIGODONTIA; LEUKODYSTROPHY, HYPOMYELINATING, 7, WITH OLIGODONTIA AND HYPOGONADOTROPIC HYPOGONADISM; LEUKODYSTROPHY, HYPOMYELINATING, 7, WITHOUT OLIGODONTIA OR HYPOGONADOTROPIC HYPOGONADISM; Ataxia, Delayed Dentition and Hypomyelination (ADDH). Identifiers: Orphanet 137639, Orphanet 447893, Orphanet 447896, Orphanet 77295, Orphanet 88637, MedGen CN034185, MONDO:0011897, OMIM 607694.

Allele frequency attached by ClinVar (database versions not stated): TOPMed below 0.00001; ExAC 0.00001; gnomAD 0.00003.
gnomAD v4.1: 10 of 1,613,318 alleles (0.00062%); highest among the groups gnomAD compares: Admixed American, 0.0083%; no homozygotes.

Submissions (2):

Labcorp Genetics (formerly Invitae), Labcorp
Classification: Uncertain significance. Last evaluated: 2022-08-16. Review status: criteria provided, single submitter. Criteria: Invitae Variant Classification Sherloc (09022015). Collection method: clinical testing. Allele origin: germline.
Comment: This sequence change replaces leucine, which is neutral and non-polar, with methionine, which is neutral and non-polar, at codon 888 of the POLR3A protein (p.Leu888Met). This variant is present in population databases (rs752264933, gnomAD 0.009%). This variant has not been reported in the literature in individuals affected with POLR3A-related conditions. ClinVar contains an entry for this variant (Variation ID: 877339). Algorithms developed to predict the effect of missense changes on protein structure and function (SIFT, PolyPhen-2, Align-GVGD) all suggest that this variant is likely to be tolerated. In summary, the available evidence is currently insufficient to determine the role of this variant in disease. Therefore, it has been classified as a Variant of Uncertain Significance.

Illumina Laboratory Services, Illumina
Classification: Uncertain significance for Leukodystrophy, hypomyelinating, 7, with or without oligodontia and/or hypogonadotropic hypogonadism. Last evaluated: 2018-01-12. Review status: criteria provided, single submitter. Criteria: ICSL Variant Classification Criteria 13 December 2019. Collection method: clinical testing. Allele origin: germline.